The following is an entry in ClinVar:

NM_014727.3(KMT2B):c.2428C>T (p.Gln810Ter)

Gene: KMT2B (lysine methyltransferase 2B; plus strand). Cytogenetic location: 19q13.12.
Variant type: single nucleotide variant.
Coding change: c.2428C>T on transcript NM_014727.3 (MANE Select); coding-DNA position 2428, C replaced by T.
Protein change: p.Gln810Ter; replaces glutamine 810 with a stop codon.
Molecular consequence: nonsense.
Genome position (GRCh38, 1-based): chr19:35,721,775, C>T. VCF-style: chr19-35721775-C-T. GRCh37 (hg19) VCF-style: chr19-36212677-C-T.
Other names: short protein forms Q810*.
Identifiers: ClinVar variation 374873 (VCV000374873.1), dbSNP rs1057519281, ClinGen allele CA16043949.

ClinVar aggregate classification (germline): Likely pathogenic. Review status: criteria provided, single submitter (1 of 4 stars). 2 submissions from 2 submitters: Likely pathogenic (1). 1 of the submissions does not count toward it. Last evaluated 2018-04-16.

Conditions:
Dystonia 28, childhood-onset (DYT28). Also called: KMT2B-Related Dystonia (DYT-KMT2B). Identifiers: Orphanet 589618, MedGen C4310633, MONDO:0015004, OMIM 617284.

Submissions (2):

SIB Swiss Institute of Bioinformatics
Classification: Likely pathogenic for Dystonia 28, childhood-onset. Last evaluated: 2018-04-16. Review status: criteria provided, single submitter. Criteria: ACMG Guidelines, 2015. Collection method: curation. Allele origin: germline.
Comment: This variant is interpreted as a Likely Pathogenic, for Dystonia 28, childhood-onset, Autosomal Dominant inheritance. The following ACMG Tag(s) were applied: PM2 => Absent from controls (or at extremely low frequency if recessive) in Exome Sequencing Project, 1000 Genomes Project, or Exome Aggregation Consortium. PVS1-Strong => PVS1 downgraded in strength to Strong (PMID:27839873). PP1 => Cosegregation with disease in multiple affected family members in a gene definitively known to cause the disease (PMID:27839873).

OMIM
Classification: Pathogenic for DYSTONIA 28, CHILDHOOD-ONSET. Last evaluated: 2017-01-12. Review status: no assertion criteria provided. Collection method: literature only. Allele origin: germline. Not counted in ClinVar's aggregate classification.

Literature cited by the submitters: PubMed 27839873 (cited by SIB Swiss Institute of Bioinformatics and OMIM).